The following is an entry in ClinVar:

NM_001102564.3(IFT43):c.398G>A (p.Arg133His)

Gene: IFT43 (intraflagellar transport 43; plus strand). Cytogenetic location: 14q24.3.
Variant type: single nucleotide variant.
Coding change: c.398G>A on transcript NM_001102564.3 (MANE Select); coding-DNA position 398, G replaced by A.
Protein change: p.Arg133His; replaces arginine 133 with histidine.
Molecular consequence: missense variant. On other transcripts: non-coding transcript variant (2).
Genome position (GRCh38, 1-based): chr14:76,082,646, G>A. VCF-style: chr14-76082646-G-A. GRCh37 (hg19) VCF-style: chr14-76548989-G-A.
Other names: c.413G>A, p.Arg138His (NM_052873.3); short protein forms R133H, R138H.
Identifiers: ClinVar variation 850608 (VCV000850608.12), dbSNP rs755396441, ClinGen allele CA7280882.

ClinVar aggregate classification (germline): Uncertain significance. Review status: criteria provided, multiple submitters, no conflicts (2 of 4 stars). 4 submissions from 4 submitters: Uncertain significance (4). Last evaluated 2026-02-04.

Conditions:
Short-rib thoracic dysplasia 18 with polydactyly. Identifiers: MedGen C4693420, MONDO:0036483, OMIM 617866.
Retinitis pigmentosa 81 (RP81). Identifiers: MedGen C4693443, MONDO:0036482, OMIM 617871.
Cranioectodermal dysplasia 3 (CED3). Identifiers: Orphanet 1515, MedGen C3279807, MONDO:0013573, OMIM 614099.

Allele frequency attached by ClinVar (database versions not stated): gnomAD 0.00001; gnomAD exomes 0.00001 and 0.00002; TOPMed 0.00001; ExAC 0.00002.
gnomAD v4.1: 23 of 1,614,056 alleles (0.0014%); highest among the groups gnomAD compares: Admixed American, 0.0033%; no homozygotes.

Submissions (4):

GeneDx
Classification: Uncertain significance. Last evaluated: 2026-02-04. Review status: criteria provided, single submitter. Criteria: GeneDx Variant Classification Process June 2021. Collection method: clinical testing. Allele origin: germline.
Comment: In silico analysis supports that this missense variant has a deleterious effect on protein structure/function; Has not been previously published as pathogenic or benign to our knowledge

Labcorp Genetics (formerly Invitae), Labcorp
Classification: Uncertain significance. Last evaluated: 2023-10-13. Review status: criteria provided, single submitter. Criteria: Invitae Variant Classification Sherloc (09022015). Collection method: clinical testing. Allele origin: germline.
Comment: This sequence change replaces arginine, which is basic and polar, with histidine, which is basic and polar, at codon 138 of the IFT43 protein (p.Arg138His). This variant is present in population databases (rs755396441, gnomAD 0.004%). This variant has not been reported in the literature in individuals affected with IFT43-related conditions. ClinVar contains an entry for this variant (Variation ID: 850608). An algorithm developed to predict the effect of missense changes on protein structure and function (PolyPhen-2) suggests that this variant¬†is likely to be tolerated. In summary, the available evidence is currently insufficient to determine the role of this variant in disease. Therefore, it has been classified as a Variant of Uncertain Significance.

Ambry Genetics
Classification: Uncertain significance. Last evaluated: 2022-06-03. Review status: criteria provided, single submitter. Criteria: Ambry Variant Classification Scheme 2023. Collection method: clinical testing. Allele origin: germline.

Fulgent Genetics
Classification: Uncertain significance for Cranioectodermal dysplasia 3; Short-rib thoracic dysplasia 18 with polydactyly; Retinitis pigmentosa 81. Last evaluated: 2022-04-17. Review status: criteria provided, single submitter. Criteria: ACMG Guidelines, 2015. Collection method: clinical testing. Allele origin: unknown.